The following is an entry in ClinVar:

ClinVar aggregate classification (germline): Uncertain significance (1 of 4 stars; one submission).

Conditions:
Epidermodysplasia verruciformis. Identifiers: Orphanet 302, MedGen C0014522, MONDO:0009176.

Allele frequency attached by ClinVar (database versions not stated): 1000 Genomes Project 0.00020; 1000 Genomes Project 30x 0.00031; ESP Exome Variant Server 0.00031; gnomAD exomes 0.00044; ExAC 0.00047; TOPMed 0.00053; gnomAD 0.00054 and 0.00058.
gnomAD v4.1: 987 of 1,610,036 alleles (0.061%); highest among the groups gnomAD compares: Non-Finnish European, 0.075%; no homozygotes.

Submission:

Labcorp Genetics (formerly Invitae), Labcorp
Classification: Uncertain significance for Epidermodysplasia verruciformis. Last evaluated: 2025-12-19. Review status: criteria provided, single submitter. Criteria: Invitae Variant Classification Sherloc (09022015). Collection method: clinical testing. Allele origin: germline.
Comment: This sequence change replaces alanine, which is neutral and non-polar, with valine, which is neutral and non-polar, at codon 297 of the TMC6 protein (p.Ala297Val). This variant is present in population databases (rs199717203, gnomAD 0.08%), and has an allele count higher than expected for a pathogenic variant. This variant has not been reported in the literature in individuals affected with TMC6-related conditions. ClinVar contains an entry for this variant (Variation ID: 456019). An algorithm developed to predict the effect of missense changes on protein structure and function (PolyPhen-2) suggests that this variant is likely to be disruptive. In summary, the available evidence is currently insufficient to determine the role of this variant in disease. Therefore, it has been classified as a Variant of Uncertain Significance.

NM_001127198.5(TMC6):c.890C>T (p.Ala297Val)

Gene: TMC6 (transmembrane channel like 6; minus strand). Cytogenetic location: 17q25.3.
Variant type: single nucleotide variant.
Coding change: c.890C>T on transcript NM_001127198.5 (MANE Select); coding-DNA position 890, C replaced by T.
Protein change: p.Ala297Val; replaces alanine 297 with valine.
Molecular consequence: missense variant. On other transcripts: non-coding transcript variant (4).
Genome position (GRCh38, 1-based): chr17:78,124,525, G>A on the plus strand (C>T on the coding strand, the complement: TMC6 is on the minus strand). VCF-style: chr17-78124525-G-A. GRCh37 (hg19) VCF-style: chr17-76120606-G-A.
Other names: c.890C>T, p.Ala297Val (NM_001321185.1, NM_001374593.1, NM_001374594.1 and 4 more transcripts); short protein forms A297V.
Identifiers: ClinVar variation 456019 (VCV000456019.8), dbSNP rs199717203, ClinGen allele CA8795977.